The following is an entry in ClinVar:

ClinVar aggregate classification (germline): Conflicting classifications of pathogenicity. Review status: criteria provided, conflicting classifications (1 of 4 stars). 12 submissions from 12 submitters: Uncertain significance (10); Likely benign (1). 1 of the submissions does not count toward it. Last evaluated 2026-01-18.

Conditions:
Hereditary cancer-predisposing syndrome. Also called: Neoplastic Syndromes, Hereditary; Hereditary neoplastic syndrome; Tumor predisposition; Hereditary Cancer Syndrome. Identifiers: Orphanet 140162, MedGen C0027672, MeSH D009386, MONDO:0015356.
Familial cancer of breast. Also called: hereditary breast carcinoma; Hereditary breast cancer; BREAST CANCER, FAMILIAL. Identifiers: Orphanet 227535, MedGen C0346153, MONDO:0016419, OMIM 114480. Disease mechanism: loss of function.
Ataxia-telangiectasia syndrome (AT). Also called: Ataxia telangiectasia (A-T); Cerebello-oculocutaneous telangiectasia; Immunodeficiency with ataxia telangiectasia; LOUIS-BAR SYNDROME; AT, COMPLEMENTATION GROUP C; ATAXIA-TELANGIECTASIA, FRESNO VARIANT. Identifiers: Orphanet 100, MedGen C0004135, MONDO:0008840, OMIM 208900.
Hereditary breast ovarian cancer syndrome. Also called: BRCA1- and BRCA2-Associated Hereditary Breast and Ovarian Cancer; Hereditary breast and/or ovarian cancer syndrome; Hereditary breast and ovarian cancer syndrome (HBOC); Hereditary breast and ovarian cancer syndrome; Hereditary breast and ovarian cancer; Breast and ovarian cancer. Identifiers: Orphanet 145, MedGen C0677776, MeSH D061325, MONDO:0003582. Disease mechanism: loss of function.

Allele frequency attached by ClinVar (database versions not stated): gnomAD exomes 0.00001 and 0.00002; gnomAD 0.00003; TOPMed 0.00003; ExAC 0.00003.
gnomAD v4.1: 14 of 1,613,986 alleles (0.00087%); highest among the groups gnomAD compares: African/African-American, 0.0053%; no homozygotes.

Submissions (12):

Labcorp Genetics (formerly Invitae), Labcorp
Classification: Uncertain significance for Ataxia-telangiectasia syndrome. Last evaluated: 2026-01-18. Review status: criteria provided, single submitter. Criteria: Invitae Variant Classification Sherloc (09022015). Collection method: clinical testing. Allele origin: germline.
Comment: This sequence change replaces isoleucine, which is neutral and non-polar, with threonine, which is neutral and polar, at codon 2185 of the ATM protein (p.Ile2185Thr). This variant is present in population databases (rs779611511, gnomAD 0.01%). This missense change has been observed in individual(s) with breast cancer, pancreatic cancer, and/or prostate cancer (PMID: 28779002, 33608381, 35171259, 35264596). ClinVar contains an entry for this variant (Variation ID: 246421). Invitae Evidence Modeling of protein sequence and biophysical properties (such as structural, functional, and spatial information, amino acid conservation, physicochemical variation, residue mobility, and thermodynamic stability) indicates that this missense variant is not expected to disrupt ATM protein function with a negative predictive value of 95%. In summary, the available evidence is currently insufficient to determine the role of this variant in disease. Therefore, it has been classified as a Variant of Uncertain Significance.

Women's Health and Genetics/Laboratory Corporation of America, LabCorp
Classification: Uncertain significance. Last evaluated: 2026-01-02. Review status: criteria provided, single submitter. Criteria: LabCorp Variant Classification Summary - May 2015. Collection method: clinical testing. Allele origin: germline.
Comment: Variant summary: ATM c.6554T>C (p.Ile2185Thr) results in a non-conservative amino acid change in the encoded protein sequence. Algorithms developed to predict the effect of missense changes on protein structure and function are either unavailable or do not agree on the potential impact of this missense change. The variant allele was found at a frequency of 2e-05 in 251454 control chromosomes. The available data on variant occurrences in the general population are insufficient to allow any conclusion about variant significance. c.6554T>C has been observed in individuals affected with cancers including breast cancer, pancreatic cancer and prostate cancer (Guindalini_2022, Yin_2022, Pandya_2021). These reports do not provide unequivocal conclusions about association of the variant with Breast Cancer. At least one publication reports experimental evidence evaluating an impact on protein function. These results showed no damaging effect of this variant (Hanenberg_2025). ClinVar contains an entry for this variant (Variation ID: 246421). Based on the evidence outlined above, the variant was classified as uncertain significance.

Center for Genomic Medicine, Rigshospitalet, Copenhagen University Hospital
Classification: Uncertain significance. Last evaluated: 2025-12-29. Review status: criteria provided, single submitter. Criteria: ACMG Guidelines, 2015. Collection method: clinical testing. Allele origin: germline.

German Consortium for Hereditary Breast and Ovarian Cancer, University Hospital Cologne
Classification: Likely benign for Hereditary breast ovarian cancer syndrome. Last evaluated: 2025-12-09. Review status: criteria provided, single submitter. Criteria: ClinGen ATM V1.4.0. Collection method: curation. Allele origin: germline.
Comment: This classification follows the ClinGen ACMG ATM v1.4.0 classification scheme; We chose this criterion: BS3 (medium benign): Kinase Assay neutral (PMID: 40105422)

Ambry Genetics
Classification: Uncertain significance for Hereditary cancer-predisposing syndrome. Last evaluated: 2025-04-25. Review status: criteria provided, single submitter. Criteria: Ambry Variant Classification Scheme 2023. Collection method: clinical testing. Allele origin: germline.
Comment: The p.I2185T variant (also known as c.6554T>C), located in coding exon 44 of the ATM gene, results from a T to C substitution at nucleotide position 6554. The isoleucine at codon 2185 is replaced by threonine, an amino acid with similar properties. This alteration has been reported in 1/13087 breast cancer cases and 0/5488 control individuals in the UK (Decker B et al. J. Med. Genet., 2017 Nov;54:732-741). In another study, this variant was reported in 2/60,466 breast cancer cases and in 5/53,461 controls (Dorling et al. N Engl J Med. 2021 02;384:428-439). In a case control study using individuals of Japanese ancestry, this alteration was not detected in 7051 unselected female breast cancer patients,11241 female controls, or 53 male breast cancer patients and was observed with an allele frequency of 0.0001 in 12490 male controls (Momozawa Y et al. Nat Commun, 2018 10;9:4083). This alteration was also detected in a cohort of 1663 Brazilian breast cancer patients who underwent hereditary multigene panel testing (Guindalini RSC et al. Sci Rep, 2022 Mar;12:4190). This amino acid position is not well conserved in available vertebrate species. In addition, this alteration is predicted to be tolerated by in silico analysis. Since supporting evidence is limited at this time, the clinical significance of this alteration remains unclear.

Color Diagnostics, LLC DBA Color Health
Classification: Uncertain significance for Hereditary cancer-predisposing syndrome. Last evaluated: 2025-03-24. Review status: criteria provided, single submitter. Criteria: ACMG Guidelines, 2015. Collection method: clinical testing. Allele origin: germline.
Comment: This missense variant replaces isoleucine with threonine at codon 2185 of the ATM protein. Computational prediction suggests that this variant may not impact protein structure and function. To our knowledge, functional studies have not been reported for this variant. This variant has been reported in individuals affected with breast cancer (PMID: 28779002, 33471991, 35264596) but has also been reported in a healthy control individuals (PMID: 30287823, 32980694, 33471991). In a large international case-control study, this variant was reported in 2/60466 breast cancer cases and 5/53461 controls (PMID: 33471991). This variant has also been identified in 6/282842 chromosomes in the general population by the Genome Aggregation Database (gnomAD). The available evidence is insufficient to determine the role of this variant in disease conclusively. Therefore, this variant is classified as a Variant of Uncertain Significance.

GeneDx
Classification: Uncertain significance. Last evaluated: 2024-05-10. Review status: criteria provided, single submitter. Criteria: GeneDx Variant Classification Process June 2021. Collection method: clinical testing. Allele origin: germline. Affected: yes.
Comment: Not observed at significant frequency in large population cohorts (gnomAD); In silico analysis indicates that this missense variant does not alter protein structure/function; This variant is associated with the following publications: (PMID: 30287823, 33608381, 28779002, 35406559, 35264596, 35171259, 33471991, 23532176, 36243179, 35534704, 38039429)

Baylor Genetics
Classification: Uncertain significance for Familial cancer of breast. Last evaluated: 2024-02-22. Review status: criteria provided, single submitter. Criteria: ACMG Guidelines, 2015. Collection method: clinical testing. Allele origin: unknown.

Fulgent Genetics
Classification: Uncertain significance for Familial cancer of breast; Ataxia-telangiectasia syndrome. Last evaluated: 2022-05-31. Review status: criteria provided, single submitter. Criteria: ACMG Guidelines, 2015. Collection method: clinical testing. Allele origin: unknown.

Sema4
Classification: Uncertain significance for Hereditary cancer-predisposing syndrome. Last evaluated: 2022-01-09. Review status: criteria provided, single submitter. Criteria: Sema4 Curation Guidelines. Collection method: curation. Allele origin: germline.
Comment: The ATM c.6554T>C (p.I2185T) variant has been reported in heterozygosity in at least one individual with breast cancer (PMID: 28779002). This variant was also identified in heterozygosity in one individual with prostate cancer; however, this individual also carried a pathogenic variant in the BRCA2 gene (PMID: 33608381). It has been reported in a large case-control study of breast cancer in 2/60466 cases and 5/53461 controls (PMID: 33471991). It was observed in 6/282842 chromosomes across the large and broad cohorts of the Genome Aggregation Database (PMID: 32461654). This variant has been reported in ClinVar (Variation ID: 246421). In silico tools suggest the impact of the variant on protein function is inconclusive, though these predictions have not been confirmed by functional studies. The evidence is insufficient to meet ACMG/AMP criteria for classifying the variant as benign or pathogenic. Thus, the clinical significance of this variant is currently uncertain.

Mendelics
Classification: Uncertain significance for Ataxia-telangiectasia syndrome. Last evaluated: 2018-07-02. Review status: criteria provided, single submitter. Criteria: Mendelics Assertion Criteria 2017. Collection method: clinical testing. Allele origin: unknown.

Natera, Inc.
Classification: Uncertain significance for Ataxia-telangiectasia. Last evaluated: 2020-09-16. Review status: no assertion criteria provided. Collection method: clinical testing. Allele origin: germline. Not counted in ClinVar's aggregate classification.

Literature cited by the submitters: PubMed 28779002 (cited by 5 submitters); PubMed 33608381 (cited by 4 submitters); PubMed 35171259 (cited by Labcorp Genetics (formerly Invitae), Labcorp and Women's Health and Genetics/Laboratory Corporation of America, LabCorp); PubMed 35264596 (cited by 4 submitters); PubMed 36243179 (cited by Women's Health and Genetics/Laboratory Corporation of America, LabCorp); PubMed 40105422 (cited by Women's Health and Genetics/Laboratory Corporation of America, LabCorp and Center for Genomic Medicine, Rigshospitalet, Copenhagen University Hospital); PubMed 30287823 (cited by Ambry Genetics and Color Diagnostics, LLC DBA Color Health); PubMed 33471991 (cited by 3 submitters); PubMed 32980694 (cited by Color Diagnostics, LLC DBA Color Health).

NM_000051.4(ATM):c.6554T>C (p.Ile2185Thr)

Genes: ATM (ATM serine/threonine kinase; plus strand), C11orf65 (chromosome 11 open reading frame 65; minus strand). Cytogenetic location: 11q22.3.
Variant type: single nucleotide variant.
Coding change: c.6554T>C on transcript NM_000051.4 (MANE Select); coding-DNA position 6554, T replaced by C.
Protein change: p.Ile2185Thr; replaces isoleucine 2185 with threonine.
Molecular consequence: missense variant. On other transcripts: intron variant (2).
Genome position (GRCh38, 1-based): chr11:108,321,402, T>C. VCF-style: chr11-108321402-T-C. GRCh37 (hg19) VCF-style: chr11-108192129-T-C.
Other names: c.6554T>C, p.Ile2185Thr (NM_001351834.2); c.641-12331A>G (NM_001330368.2); c.*39-12331A>G (NM_001351110.2); short protein forms I2185T.
Identifiers: ClinVar variation 246421 (VCV000246421.39), dbSNP rs779611511, ClinGen allele CA6265969.